The following is an entry in ClinVar:

ClinVar aggregate classification (germline): Pathogenic (1 of 4 stars; one submission).

Submission:

Ambry Genetics
Classification: Pathogenic. Last evaluated: 2026-05-13. Review status: criteria provided, single submitter. Criteria: Ambry Variant Classification Scheme 2023. Collection method: clinical testing. Allele origin: germline.
Comment: The c.733C>T (p.R245*) alteration, located in exon 9 (coding exon 6) of the RREB1 gene, consists of a C to T substitution at nucleotide position 733. This changes the amino acid from an arginine (R) to a stop codon at amino acid position 245. This variant is expected to result in loss of function by premature protein truncation or nonsense-mediated mRNA decay. This variant was not reported in population-based cohorts in the Genome Aggregation Database (gnomAD). Based on the available evidence, this alteration is classified as pathogenic.

NM_001003699.4(RREB1):c.733C>T (p.Arg245Ter)

Gene: RREB1 (ras responsive element binding protein 1; plus strand). Cytogenetic location: 6p24.3.
Variant type: single nucleotide variant.
Coding change: c.733C>T on transcript NM_001003699.4 (MANE Select); coding-DNA position 733, C replaced by T.
Protein change: p.Arg245Ter; replaces arginine 245 with a stop codon.
Molecular consequence: nonsense.
Genome position (GRCh38, 1-based): chr6:7,226,492, C>T. VCF-style: chr6-7226492-C-T. GRCh37 (hg19) VCF-style: chr6-7226725-C-T.
Other names: c.733C>T, p.Arg245Ter (NM_001003698.4, NM_001003700.2, NM_001168344.2); short protein forms R245*.
Identifiers: ClinVar variation 4863501 (VCV004863501.1).